The following is an entry in ClinVar:

NM_004304.5(ALK):c.1628T>A (p.Ile543Asn)

Gene: ALK (ALK receptor tyrosine kinase; minus strand). Cytogenetic location: 2p23.2.
Variant type: single nucleotide variant.
Coding change: c.1628T>A on transcript NM_004304.5 (MANE Select); coding-DNA position 1628, T replaced by A.
Protein change: p.Ile543Asn; replaces isoleucine 543 with asparagine.
Molecular consequence: missense variant.
Genome position (GRCh38, 1-based): chr2:29,318,323, A>T on the plus strand (T>A on the coding strand, the complement: ALK is on the minus strand). VCF-style: chr2-29318323-A-T. GRCh37 (hg19) VCF-style: chr2-29541189-A-T.
Other names: c.1628T>A (NM_004304.4); short protein forms I543N.
Identifiers: ClinVar variation 1060665 (VCV001060665.10), dbSNP rs1666893671, ClinGen allele CA346470915.

ClinVar aggregate classification (germline): Uncertain significance. Review status: criteria provided, multiple submitters, no conflicts (2 of 4 stars). 2 submissions from 2 submitters: Uncertain significance (2). Last evaluated 2025-12-07.

Conditions:
Neuroblastoma, susceptibility to, 3. Also called: ALK-Related Neuroblastic Tumor Susceptibility. Identifiers: Orphanet 635, MedGen C2751681, MONDO:0013083, OMIM 613014.
Hereditary cancer-predisposing syndrome. Also called: Tumor predisposition; Neoplastic Syndromes, Hereditary; Hereditary Cancer Syndrome; Hereditary neoplastic syndrome. Identifiers: Orphanet 140162, MedGen C0027672, MeSH D009386, MONDO:0015356.

Submissions (2):

Ambry Genetics
Classification: Uncertain significance for Hereditary cancer-predisposing syndrome. Last evaluated: 2025-12-07. Review status: criteria provided, single submitter. Criteria: Ambry Variant Classification Scheme 2023. Collection method: clinical testing. Allele origin: germline.
Comment: The p.I543N variant (also known as c.1628T>A), located in coding exon 8 of the ALK gene, results from a T to A substitution at nucleotide position 1628. The isoleucine at codon 543 is replaced by asparagine, an amino acid with dissimilar properties. This amino acid position is conserved. In addition, this alteration is predicted to be tolerated by in silico analysis. Based on the available evidence, the clinical significance of this variant remains unclear.

Labcorp Genetics (formerly Invitae), Labcorp
Classification: Uncertain significance for Neuroblastoma, susceptibility to, 3. Last evaluated: 2020-10-22. Review status: criteria provided, single submitter. Criteria: Invitae Variant Classification Sherloc (09022015). Collection method: clinical testing. Allele origin: germline.
Comment: In summary, the available evidence is currently insufficient to determine the role of this variant in disease. Therefore, it has been classified as a Variant of Uncertain Significance. Algorithms developed to predict the effect of missense changes on protein structure and function are either unavailable or do not agree on the potential impact of this missense change (SIFT: "Deleterious"; PolyPhen-2: "Benign"; Align-GVGD: "Class C0"). This variant has not been reported in the literature in individuals with ALK-related conditions. This variant is not present in population databases (ExAC no frequency). This sequence change replaces isoleucine with asparagine at codon 543 of the ALK protein (p.Ile543Asn). The isoleucine residue is weakly conserved and there is a large physicochemical difference between isoleucine and asparagine.